The following is an entry in ClinVar:

NM_145239.3(PRRT2):c.482dup (p.Thr162fs)

Genes: MVP-DT (MVP divergent transcript; minus strand), PRRT2 (proline rich transmembrane protein 2; plus strand). Cytogenetic location: 16p11.2.
Variant type: Duplication.
Coding change: c.482dup on transcript NM_145239.3 (MANE Select); coding-DNA position 482, one base duplicated (C; older notation c.482dupC).
Protein change: p.Thr162fs; shifts the reading frame from threonine 162.
Molecular consequence: frameshift variant.
Genome position (GRCh38, 1-based): chr16:29,813,536, C duplicated; the last of 3 consecutive C bases (chr16:29,813,534-29,813,536); duplicating any one gives the same sequence. VCF-style (leftmost placement, unchanged base first): chr16-29813533-T-TC. GRCh37 (hg19) VCF-style: chr16-29824854-T-TC.
Other names: c.482dup, p.Thr162fs (NM_001438122.1, NM_001256442.2, NM_001256443.2 and 2 more transcripts); short protein forms T162fs.
Identifiers: ClinVar variation 4849706 (VCV004849706.1).
Genomic context (GRCh38, chr16:29,813,533, plus strand): 5'-CCCAACCAGACCCCCGGCCAGATTCCCAGCCTACCCCCAAGCCAGCCCTTCAACCAGAGC[T>TC]CCCTACCCAGGAGGACCCCACCCCTGAGATTCTGTCTGAGAGTGTAGGGGAAAAGCAAGA-3'

ClinVar aggregate classification (germline): Likely pathogenic (1 of 4 stars; one submission).

Conditions:
Episodic kinesigenic dyskinesia 1 (EKD1). Also called: PRRT2-Related Paroxysmal Kinesigenic Dyskinesia (PKD); DYSTONIA, FAMILIAL PAROXYSMAL; PxMD-PRRT2; PAROXYSMAL KINESIGENIC CHOREOATHETOSIS; Dystonia 10. Identifiers: Orphanet 98809, MedGen C4552000, MONDO:0100352, OMIM 128200, MONDO:0007494.
Infantile convulsions and choreoathetosis (ICCA). Also called: PAROXYSMAL KINESIGENIC DYSKINESIA WITH INFANTILE CONVULSIONS; PRRT2-Related Paroxysmal Kinesigenic Dyskinesia with Infantile Convulsions (PKD/IC). Identifiers: Orphanet 31709, MedGen C1865926, MONDO:0011178, OMIM 602066.

Submission:

Diagnostics Services (NGS), CSIR - Centre For Cellular And Molecular Biology
Classification: Likely pathogenic for Infantile convulsions and choreoathetosis; Episodic kinesigenic dyskinesia 1. Last evaluated: 2026-02-23. Review status: criteria provided, single submitter. Criteria: ACMG Guidelines, 2015. Collection method: clinical testing. Allele origin: germline. Observed: 1 variant allele, 1 heterozygote.
Comment: The c.482dup variant is not present in 1000 Genomes, EVS, gnomAD, Indian Exome Database or our internal database. This variant has neither been reported in the literature in individuals affected with PRRT2-related conditions nor reported to the HGMD, ClinVar or OMIM databases, in any affected individuals. In-silico pathogenicity prediction programs like MutationTaster2, CADD, Varsome, Franklin etc predicted this variant to be likely deleterious. This variant causes frameshift at the 162th amino acid position of the wild-type transcript which creates a premature translational stop signal at the altered transcript that may either result in translation of a truncated protein or cause nonsense mediated decay of the mRNA.